The following is an entry in ClinVar:

NM_004333.6(BRAF):c.1433-19A>G

Gene: BRAF (B-Raf proto-oncogene, serine/threonine kinase; minus strand). Cytogenetic location: 7q34.
Variant type: single nucleotide variant.
Coding change: c.1433-19A>G on transcript NM_004333.6 (MANE Select); 19 bases into the intron before coding-DNA position 1433, A replaced by G.
Molecular consequence: intron variant.
Genome position (GRCh38, 1-based): chr7:140,778,094, T>C on the plus strand (A>G on the coding strand, the complement: BRAF is on the minus strand). VCF-style: chr7-140778094-T-C. GRCh37 (hg19) VCF-style: chr7-140477894-T-C.
Other names: c.1433-19A>G (NM_001378474.1, NM_001378468.1, NM_001354609.2); c.1331-19A>G (NM_001378470.1); c.1169-19A>G (NM_001378475.1); c.1322-19A>G (NM_001378471.1); c.1553-19A>G (NM_001374258.1, NM_001374244.1); c.1442-19A>G (NM_001378467.1); c.1277-19A>G (NM_001378472.1, NM_001378473.1); c.1367-19A>G (NM_001378469.1).
Identifiers: ClinVar variation 136532 (VCV000136532.20), dbSNP rs369635503, ClinGen allele CA232434.

ClinVar aggregate classification (germline): Benign. Review status: reviewed by expert panel (3 of 4 stars). 11 submissions from 11 submitters: Benign (1). 10 of the submissions do not count toward it. Last evaluated 2024-09-17.

Conditions:
RASopathy. Also called: Noonan spectrum disorder; rasopathies. Identifiers: Orphanet 536391, MedGen C5555857, MONDO:0021060.

Allele frequency attached by ClinVar (database versions not stated): 1000 Genomes Project 30x 0.00031; gnomAD exomes 0.00098 and 0.00209; ExAC 0.00105; gnomAD 0.00112 and 0.00114; TOPMed 0.00112; ESP Exome Variant Server 0.00138.
gnomAD v4.1: 3,208 of 1,611,406 alleles (0.2%); highest among the groups gnomAD compares: Non-Finnish European, 0.26%; 7 homozygotes.

Submissions (11):

ClinGen RASopathy Variant Curation Expert Panel
Classification: Benign for RASopathy. Last evaluated: 2024-09-17. Review status: reviewed by expert panel. Criteria: ClinGen RASopathy ACMG Specifications BRAF V2.1.0. Collection method: curation. Allele origin: germline. Inheritance: Autosomal dominant inheritance.
Comment: The c.1433-19A>G in BRAF is an intronic variant located in intron 11. The minor allele frequency of this variant in gnomAD v4 is 0.2572% (3030/1178128) in the European (non-Finnish) population, which is a high enough frequency to be classified as benign based on thresholds defined by the ClinGen RASopathy Expert panel for autosomal dominant RASopathy variants (BA1). This variant is not predicted by SpliceAI to impact splicing. In addition, it occurs at a nucleotide that is not conserved (BP4, BP7). This variant has been identified in at least 2 patients with clinical features of a RASopathy (PS4_Supporting not met; GeneDx, Greenwood Genetics, Otto von Guericke University Magdeburg, internal data, GTR ID's: 26957, 1019; ClinVar SCV000207632.1, SCV000167210.14). However, this variant has been identified in a patient with an alternate molecular basis for disease (BP5; GeneDx internal data, GTR ID's: 26957; ClinVar SCV000167210.14). In summary, this variant meets criteria to be classified as benign for autosomal dominant RASopathies based on the ACMG/AMP criteria applied, as specified by the ClinGen RASopathy Variant Curation Expert Panel: BA1, BP4, BP5, BP7 (Specification Version 2.1, 9/17/2024)

Labcorp Genetics (formerly Invitae), Labcorp
Classification: Benign for RASopathy. Last evaluated: 2026-02-02. Review status: criteria provided, single submitter. Criteria: Invitae Variant Classification Sherloc (09022015). Collection method: clinical testing. Allele origin: germline. Not counted in ClinVar's aggregate classification.

Blueprint Genetics
Classification: Likely benign. Last evaluated: 2024-11-20. Review status: criteria provided, single submitter. Criteria: ACMG Guidelines, 2015. Collection method: clinical testing. Allele origin: germline. Not counted in ClinVar's aggregate classification.

ARUP Laboratories, Molecular Genetics and Genomics, ARUP Laboratories
Classification: Benign. Last evaluated: 2023-10-02. Review status: criteria provided, single submitter. Criteria: ARUP Molecular Germline Variant Investigation Process 2024. Collection method: clinical testing. Allele origin: germline. Not counted in ClinVar's aggregate classification.

Women's Health and Genetics/Laboratory Corporation of America, LabCorp
Classification: Benign. Last evaluated: 2020-03-23. Review status: criteria provided, single submitter. Criteria: LabCorp Variant Classification Summary - May 2015. Collection method: clinical testing. Allele origin: germline. Not counted in ClinVar's aggregate classification.
Comment: Variant summary: BRAF c.1433-19A>G alters a nucleotide located close to a canonical splice site and therefore could affect mRNA splicing, leading to a significantly altered protein sequence. Several computational tools predict a significant impact on normal splicing: Four predict the variant no significant impact on splicing. However, these predictions have yet to be confirmed by functional studies. The variant allele was found at a frequency of 0.00098 in 251054 control chromosomes, predominantly at a frequency of 0.002 within the Non-Finnish European subpopulation in the gnomAD database, including 2 homozygotes. The observed variant frequency within Non-Finnish European control individuals in the gnomAD database is significantly higher than the estimated maximal expected allele frequency for a pathogenic variant in BRAF causing Noonan Syndrome and Related Conditions phenotype (2.5e-06), strongly suggesting that the variant is a benign polymorphism found primarily in populations of Non-Finnish European origin. To our knowledge, no occurrence of c.1433-19A>G in individuals affected with Noonan Syndrome and Related Conditions and no experimental evidence demonstrating its impact on protein function have been reported. Three clinical diagnostic laboratories have submitted clinical-significance assessments for this variant to ClinVar after 2014 without evidence for independent evaluation, two classified as likely benign/benign while one classified as VUS. Based on the evidence outlined above, the variant was classified as benign.

GeneDx
Classification: Benign. Last evaluated: 2016-05-31. Review status: criteria provided, single submitter. Criteria: GeneDx Variant Classification (06012015). Collection method: clinical testing. Allele origin: germline. Affected: yes. Not counted in ClinVar's aggregate classification.
Comment: This variant is considered likely benign or benign based on one or more of the following criteria: it is a conservative change, it occurs at a poorly conserved position in the protein, it is predicted to be benign by multiple in silico algorithms, and/or has population frequency not consistent with disease.

Breakthrough Genomics
Classification: Benign. Review status: criteria provided, single submitter. Criteria: ACMG Guidelines, 2015. Collection method: not provided. Allele origin: germline. Inheritance: Autosomal dominant inheritance. Affected: yes. Not counted in ClinVar's aggregate classification.

PreventionGenetics, part of Exact Sciences
Classification: Likely benign. Review status: criteria provided, single submitter. Criteria: ACMG Guidelines, 2015. Collection method: clinical testing. Allele origin: germline. Not counted in ClinVar's aggregate classification.

Greenwood Genetic Center Diagnostic Laboratories, Greenwood Genetic Center
Classification: Uncertain significance. Last evaluated: 2015-01-15. Review status: no assertion criteria provided. Collection method: clinical testing. Allele origin: germline. Not counted in ClinVar's aggregate classification.

Clinical Genetics, Academic Medical Center
Classification: Likely benign. Review status: no assertion criteria provided. Collection method: clinical testing. Allele origin: germline. Affected: yes. Study: VKGL Data-share Consensus. Not counted in ClinVar's aggregate classification.

Joint Genome Diagnostic Labs from Nijmegen and Maastricht, Radboudumc and MUMC+
Classification: Likely benign. Review status: no assertion criteria provided. Collection method: clinical testing. Allele origin: germline. Affected: yes. Study: VKGL Data-share Consensus. Not counted in ClinVar's aggregate classification.

Literature cited by the submitters: PubMed 24920063 (cited by Women's Health and Genetics/Laboratory Corporation of America, LabCorp).